The following is an entry in ClinVar:

NM_014014.5(SNRNP200):c.5762G>A (p.Arg1921Gln)

Gene: SNRNP200 (small nuclear ribonucleoprotein U5 subunit 200; minus strand). Cytogenetic location: 2q11.2.
Variant type: single nucleotide variant.
Coding change: c.5762G>A on transcript NM_014014.5 (MANE Select); coding-DNA position 5762, G replaced by A.
Protein change: p.Arg1921Gln; replaces arginine 1921 with glutamine.
Molecular consequence: missense variant.
Genome position (GRCh38, 1-based): chr2:96,277,708, C>T on the plus strand (G>A on the coding strand, the complement: SNRNP200 is on the minus strand). VCF-style: chr2-96277708-C-T. GRCh37 (hg19) VCF-style: chr2-96943446-C-T.
Other names: short protein forms R1921Q.
Identifiers: ClinVar variation 1508778 (VCV001508778.6), dbSNP rs1354326901, ClinGen allele CA347657937.

ClinVar aggregate classification (germline): Uncertain significance (1 of 4 stars; one submission).

Allele frequency attached by ClinVar (database versions not stated): gnomAD exomes below 0.00001; gnomAD 0.00001.
gnomAD v4.1: 5 of 1,613,950 alleles (0.00031%); highest among the groups gnomAD compares: Admixed American, 0.0017%; no homozygotes.

Submission:

Labcorp Genetics (formerly Invitae), Labcorp
Classification: Uncertain significance. Last evaluated: 2022-10-13. Review status: criteria provided, single submitter. Criteria: Invitae Variant Classification Sherloc (09022015). Collection method: clinical testing. Allele origin: germline.
Comment: In summary, the available evidence is currently insufficient to determine the role of this variant in disease. Therefore, it has been classified as a Variant of Uncertain Significance. Advanced modeling of protein sequence and biophysical properties (such as structural, functional, and spatial information, amino acid conservation, physicochemical variation, residue mobility, and thermodynamic stability) performed at Invitae indicates that this missense variant is expected to disrupt SNRNP200 protein function. ClinVar contains an entry for this variant (Variation ID: 1508778). This variant has not been reported in the literature in individuals affected with SNRNP200-related conditions. This variant is not present in population databases (gnomAD no frequency). This sequence change replaces arginine, which is basic and polar, with glutamine, which is neutral and polar, at codon 1921 of the SNRNP200 protein (p.Arg1921Gln).